The following is an entry in ClinVar:

ClinVar aggregate classification (germline): Uncertain significance (1 of 4 stars; one submission).

Conditions:
Cardiovascular phenotype. Identifiers: MedGen CN230736.

Submission:

Ambry Genetics
Classification: Uncertain significance for Cardiovascular phenotype. Last evaluated: 2023-03-06. Review status: criteria provided, single submitter. Criteria: Ambry Variant Classification Scheme 2023. Collection method: clinical testing. Allele origin: germline.
Comment: The c.7217_7218delATinsTC variant, located in coding exon 31 of the AKAP9 gene, results from an in-frame deletion of AT and insertion of TC at nucleotide positions 7217 to 7218. This results in the substitution of the asparagine residue for an isoleucine residue at codon 2406, an amino acid with dissimilar properties. This amino acid position is not well conserved in available vertebrate species. In addition, the in silico prediction for this alteration is inconclusive (Choi Y et al. PLoS ONE. 2012; 7(10):e46688). The evidence for this gene-disease relationship is limited; therefore, the clinical significance of this alteration is unclear.

NM_005751.5(AKAP9):c.7217_7218delinsTC (p.Asn2406Ile)

Gene: AKAP9 (A-kinase anchoring protein 9; plus strand). Cytogenetic location: 7q21.2.
Variant type: Indel.
Coding change: c.7217_7218delinsTC on transcript NM_005751.5 (MANE Select); coding-DNA positions 7217 to 7218, AT replaced by TC.
Protein change: p.Asn2406Ile; replaces asparagine 2406 with isoleucine.
Molecular consequence: missense variant.
Genome position (GRCh38, 1-based): chr7:92,079,350-92,079,351, AT replaced by TC. VCF-style: chr7-92079350-AT-TC. GRCh37 (hg19) VCF-style: chr7-91708664-AT-TC.
Other names: c.1862_1863delinsTC, p.Asn621Ile (NM_001379277.1); c.7193_7194delinsTC, p.Asn2398Ile (NM_147185.3); short protein forms N2398I, N2406I, N621I.
Identifiers: ClinVar variation 3225090 (VCV003225090.1), dbSNP rs2535244908, ClinGen allele CA2825001575.